The following is an entry in ClinVar:

NM_017947.4(MOCOS):c.8G>C (p.Gly3Ala)

Gene: MOCOS (molybdenum cofactor sulfurase; plus strand). Cytogenetic location: 18q12.2.
Variant type: single nucleotide variant.
Coding change: c.8G>C on transcript NM_017947.4 (MANE Select); coding-DNA position 8, G replaced by C.
Protein change: p.Gly3Ala; replaces glycine 3 with alanine.
Molecular consequence: missense variant.
Genome position (GRCh38, 1-based): chr18:36,187,547, G>C. VCF-style: chr18-36187547-G-C. GRCh37 (hg19) VCF-style: chr18-33767510-G-C.
Other names: c.8G>C (NM_017947.2); short protein forms G3A.
Identifiers: ClinVar variation 2153025 (VCV002153025.6), dbSNP rs2091345848, ClinGen allele CA402224571.

ClinVar aggregate classification (germline): Uncertain significance. Review status: criteria provided, multiple submitters, no conflicts (2 of 4 stars). 3 submissions from 3 submitters: Uncertain significance (3). Last evaluated 2025-04-03.

Conditions:
Xanthinuria type II. Also called: Xanthine dehydrogenase and aldehyde oxidase combined deficiency of; XDH and AOX dual deficiency. Identifiers: Orphanet 3467, Orphanet 93602, MedGen C1863688, MONDO:0011346, OMIM 603592.

Allele frequency attached by ClinVar (database versions not stated): gnomAD 0.00001; gnomAD exomes 0.00001; TOPMed 0.00001.
gnomAD v4.1: 4 of 1,237,616 alleles (0.00032%); highest among the groups gnomAD compares: Non-Finnish European, 0.0004%; no homozygotes.

Submissions (3):

Ambry Genetics
Classification: Uncertain significance. Last evaluated: 2025-04-03. Review status: criteria provided, single submitter. Criteria: Ambry Variant Classification Scheme 2023. Collection method: clinical testing. Allele origin: germline.

Fulgent Genetics
Classification: Uncertain significance for Xanthinuria type II. Last evaluated: 2024-02-08. Review status: criteria provided, single submitter. Criteria: ACMG Guidelines, 2015. Collection method: clinical testing. Allele origin: germline.

Labcorp Genetics (formerly Invitae), Labcorp
Classification: Uncertain significance for Xanthinuria type II. Last evaluated: 2022-10-09. Review status: criteria provided, single submitter. Criteria: Invitae Variant Classification Sherloc (09022015). Collection method: clinical testing. Allele origin: germline.
Comment: In summary, the available evidence is currently insufficient to determine the role of this variant in disease. Therefore, it has been classified as a Variant of Uncertain Significance. This sequence change replaces glycine, which is neutral and non-polar, with alanine, which is neutral and non-polar, at codon 3 of the MOCOS protein (p.Gly3Ala). This variant is not present in population databases (gnomAD no frequency). This variant has not been reported in the literature in individuals affected with MOCOS-related conditions. Algorithms developed to predict the effect of missense changes on protein structure and function (SIFT, PolyPhen-2, Align-GVGD) all suggest that this variant is likely to be tolerated.